The following is an entry in ClinVar:

NM_198576.4(AGRN):c.5312dup (p.Ser1772fs)

Gene: AGRN (agrin; plus strand). Cytogenetic location: 1p36.33.
Variant type: Duplication.
Coding change: c.5312dup on transcript NM_198576.4 (MANE Select); coding-DNA position 5312, one base duplicated (T; older notation c.5312dupT).
Protein change: p.Ser1772fs; shifts the reading frame from serine 1772.
Molecular consequence: frameshift variant.
Genome position (GRCh38, 1-based): chr1:1,051,311, T duplicated; the last of 2 consecutive T bases (chr1:1,051,310-1,051,311); duplicating either gives the same sequence. VCF-style (leftmost placement, unchanged base first): chr1-1051309-C-CT. GRCh37 (hg19) VCF-style: chr1-986689-C-CT.
Other names: c.5324dup, p.Ser1776fs (NM_001305275.2); c.5009dup, p.Ser1671fs (NM_001364727.2); c.5312dupT (NM_198576.3); short protein forms S1772fs, S1671fs, S1776fs.
Identifiers: ClinVar variation 503670 (VCV000503670.2), dbSNP rs1553178276, ClinGen allele CA658795341.

ClinVar aggregate classification (germline): Likely pathogenic (1 of 4 stars; one submission).

Submission:

GeneDx
Classification: Likely pathogenic. Last evaluated: 2017-11-07. Review status: criteria provided, single submitter. Criteria: GeneDx Variant Classification (06012015). Collection method: clinical testing. Allele origin: germline. Affected: yes.
Comment: The c.5312dupT variant in the AGRN gene has not been reported previously as a pathogenic variant nor as a benign variant, to our knowledge. The c.5312dupT variant causes a frameshift starting with codon Serine 1772, changes this amino acid to a Glutamine residue, and creates a premature Stop codon at position 99 of the new reading frame, denoted p.Ser1772GlnfsX99. This variant is predicted to cause loss of normal protein function either through protein truncation or nonsense-mediated mRNA decay. The c.5312dupT variant is not observed in large population cohorts (Lek et al., 2016). We interpret c.5312dupT as a likely pathogenic variant.